The following is an entry in ClinVar:

NM_148919.4(PSMB8):c.188G>A (p.Arg63Lys)

Gene: PSMB8 (proteasome 20S subunit beta 8; minus strand). Cytogenetic location: 6p21.32.
Variant type: single nucleotide variant.
Coding change: c.188G>A on transcript NM_148919.4 (MANE Select); coding-DNA position 188, G replaced by A.
Protein change: p.Arg63Lys; replaces arginine 63 with lysine.
Molecular consequence: missense variant.
Genome position (GRCh38, 1-based): chr6:32,843,049, C>T on the plus strand (G>A on the coding strand, the complement: PSMB8 is on the minus strand). VCF-style: chr6-32843049-C-T. GRCh37 (hg19) VCF-style: chr6-32810826-C-T.
Other names: c.176G>A, p.Arg59Lys (NM_004159.5); short protein forms R59K, R63K.
Identifiers: ClinVar variation 1393922 (VCV001393922.6), dbSNP rs1770030436, ClinGen allele CA363589537.

ClinVar aggregate classification (germline): Uncertain significance (1 of 4 stars; one submission).

Conditions:
Proteosome-associated autoinflammatory syndrome. Also called: Proteasome-associated autoinflammatory syndrome. Identifiers: Orphanet 324977, MedGen C1850568, MONDO:0009726.

Submission:

Labcorp Genetics (formerly Invitae), Labcorp
Classification: Uncertain significance for Proteosome-associated autoinflammatory syndrome. Last evaluated: 2023-12-27. Review status: criteria provided, single submitter. Criteria: Invitae Variant Classification Sherloc (09022015). Collection method: clinical testing. Allele origin: germline.
Comment: This sequence change replaces arginine, which is basic and polar, with lysine, which is basic and polar, at codon 63 of the PSMB8 protein (p.Arg63Lys). This variant is not present in population databases (gnomAD no frequency). This variant has not been reported in the literature in individuals affected with PSMB8-related conditions. ClinVar contains an entry for this variant (Variation ID: 1393922). Advanced modeling of protein sequence and biophysical properties (such as structural, functional, and spatial information, amino acid conservation, physicochemical variation, residue mobility, and thermodynamic stability) performed at Invitae indicates that this missense variant is not expected to disrupt PSMB8 protein function with a negative predictive value of 80%. In summary, the available evidence is currently insufficient to determine the role of this variant in disease. Therefore, it has been classified as a Variant of Uncertain Significance.